The following is an entry in ClinVar:

ClinVar aggregate classification (germline): Uncertain significance (1 of 4 stars; one submission).

gnomAD v4.1: 142 of 1,614,004 alleles (0.0088%); highest among the groups gnomAD compares: African/African-American, 0.065%; 1 homozygote.

Submission:

Women's Health and Genetics/Laboratory Corporation of America, LabCorp
Classification: Uncertain significance. Last evaluated: 2024-09-05. Review status: criteria provided, single submitter. Criteria: LabCorp Variant Classification Summary - May 2015. Collection method: clinical testing. Allele origin: germline.
Comment: Variant summary: ZNF407 c.1678C>T (p.Arg560Cys) results in a non-conservative amino acid change located in the Matrin/U1-C-like, C2H2-type zinc finger domain (IPR003604) of the encoded protein sequence. Four of five in-silico tools predict a benign effect of the variant on protein function. The variant allele was found at a frequency of 8.8e-05 in 249240 control chromosomes. This frequency is not significantly higher than estimated for a pathogenic variant in ZNF407 causing ZNF407-Related Disorders, allowing no conclusion about variant significance. To our knowledge, no occurrence of c.1678C>T in individuals affected with ZNF407-Related Disorders and no experimental evidence demonstrating its impact on protein function have been reported. No submitters have cited clinical-significance assessments for this variant to ClinVar. Based on the evidence outlined above, the variant was classified as uncertain significance.

NM_017757.3(ZNF407):c.1678C>T (p.Arg560Cys)

Gene: ZNF407 (zinc finger protein 407; plus strand). Cytogenetic location: 18q22.3.
Variant type: single nucleotide variant.
Coding change: c.1678C>T on transcript NM_017757.3 (MANE Select); coding-DNA position 1678, C replaced by T.
Protein change: p.Arg560Cys; replaces arginine 560 with cysteine.
Molecular consequence: missense variant.
Genome position (GRCh38, 1-based): chr18:74,632,697, C>T. VCF-style: chr18-74632697-C-T. GRCh37 (hg19) VCF-style: chr18-72344653-C-T.
Other names: c.1678C>T, p.Arg560Cys (NM_001146189.1, NM_001146190.1, NM_001384475.1); short protein forms R560C.
Identifiers: ClinVar variation 3375022 (VCV003375022.1).
Genomic context (GRCh38, chr18:74,632,697, plus strand): 5'-AGGACAGATTTGGAAATCCATGTGAAAAGGTGCCATGCCAGAGAGATGAAATTTTACTGC[C>T]GTACTTGTGACTTCTCTAGTATGTCAAGAAGGGACTTAGATGAACATTTGCACAGTAACC-3'
Protein context (NP_060227.2, residues 550-570): CHAREMKFYC[Arg560Cys]TCDFSSMSRR